The following is an entry in ClinVar:

NM_005876.5(SPEG):c.7070C>T (p.Ser2357Leu)

Genes: ASIC4-AS1 (ASIC4 antisense RNA 1; minus strand), SPEG (striated muscle enriched protein kinase; plus strand). Cytogenetic location: 2q35.
Variant type: single nucleotide variant.
Coding change: c.7070C>T on transcript NM_005876.5 (MANE Select); coding-DNA position 7070, C replaced by T.
Protein change: p.Ser2357Leu; replaces serine 2357 with leucine.
Molecular consequence: missense variant.
Genome position (GRCh38, 1-based): chr2:219,484,533, C>T. VCF-style: chr2-219484533-C-T. GRCh37 (hg19) VCF-style: chr2-220349255-C-T.
Other names: short protein forms S2357L.
Identifiers: ClinVar variation 1965038 (VCV001965038.5), dbSNP rs2545942948, ClinGen allele CA350700720.

ClinVar aggregate classification (germline): Uncertain significance (1 of 4 stars; one submission).

Submission:

Labcorp Genetics (formerly Invitae), Labcorp
Classification: Uncertain significance. Last evaluated: 2022-03-12. Review status: criteria provided, single submitter. Criteria: Invitae Variant Classification Sherloc (09022015). Collection method: clinical testing. Allele origin: germline.
Comment: Algorithms developed to predict the effect of missense changes on protein structure and function are either unavailable or do not agree on the potential impact of this missense change (SIFT: "Deleterious"; PolyPhen-2: "Probably Damaging"; Align-GVGD: "Class C0"). In summary, the available evidence is currently insufficient to determine the role of this variant in disease. Therefore, it has been classified as a Variant of Uncertain Significance. This variant has not been reported in the literature in individuals affected with SPEG-related conditions. This variant is not present in population databases (gnomAD no frequency). This sequence change replaces serine, which is neutral and polar, with leucine, which is neutral and non-polar, at codon 2357 of the SPEG protein (p.Ser2357Leu).